The following is an entry in ClinVar:

NM_000747.3(CHRNB1):c.31G>A (p.Gly11Arg)

Genes: CHRNB1 (cholinergic receptor nicotinic beta 1 subunit; plus strand), LOC130060147 (ATAC-STARR-seq lymphoblastoid silent region 8121; plus strand). Cytogenetic location: 17p13.1.
Variant type: single nucleotide variant.
Coding change: c.31G>A on transcript NM_000747.3 (MANE Select); coding-DNA position 31, G replaced by A.
Protein change: p.Gly11Arg; replaces glycine 11 with arginine.
Molecular consequence: missense variant.
Genome position (GRCh38, 1-based): chr17:7,445,158, G>A. VCF-style: chr17-7445158-G-A. GRCh37 (hg19) VCF-style: chr17-7348477-G-A.
Other names: short protein forms G11R.
Identifiers: ClinVar variation 964055 (VCV000964055.10), dbSNP rs1908543374, ClinGen allele CA397786271.

ClinVar aggregate classification (germline): Uncertain significance (1 of 4 stars; one submission).

Conditions:
Congenital myasthenic syndrome 2A. Also called: Myasthenic syndrome, congenital, 2a, slow-channel. Identifiers: Orphanet 590, MedGen C4225374, MONDO:0014581, OMIM 616313.

Submission:

Labcorp Genetics (formerly Invitae), Labcorp
Classification: Uncertain significance for Congenital myasthenic syndrome 2A. Last evaluated: 2020-01-27. Review status: criteria provided, single submitter. Criteria: Invitae Variant Classification Sherloc (09022015). Collection method: clinical testing. Allele origin: germline.
Comment: Algorithms developed to predict the effect of missense changes on protein structure and function are either unavailable or do not agree on the potential impact of this missense change (SIFT: "Tolerated"; PolyPhen-2: "Possibly Damaging"; Align-GVGD: "Class C0"). This variant has not been reported in the literature in individuals with CHRNB1-related conditions. This variant is not present in population databases (ExAC no frequency). In summary, the available evidence is currently insufficient to determine the role of this variant in disease. Therefore, it has been classified as a Variant of Uncertain Significance. This sequence change replaces glycine with arginine at codon 11 of the CHRNB1 protein (p.Gly11Arg). The glycine residue is weakly conserved and there is a moderate physicochemical difference between glycine and arginine.